The following is an entry in ClinVar:

ClinVar aggregate classification (germline): Likely benign. Review status: criteria provided, multiple submitters, no conflicts (2 of 4 stars). 3 submissions from 3 submitters: Likely benign (2). 1 of the submissions does not count toward it. Last evaluated 2025-11-12.

Conditions:
TTN-related disorder. Also called: TTN-related disorders; TTN-related condition; TTN-related disease.
Cardiovascular phenotype. Identifiers: MedGen CN230736.
Dilated cardiomyopathy 1G (CMD1G). Identifiers: Orphanet 154, MedGen C1858763, MONDO:0011400, OMIM 604145.
Autosomal recessive limb-girdle muscular dystrophy type 2J (LGMDR10). Also called: Limb-girdle muscular dystrophy, type 2J; MUSCULAR DYSTROPHY, LIMB-GIRDLE, AUTOSOMAL RECESSIVE 10. Identifiers: Orphanet 140922, MedGen C1837342, MONDO:0012127, OMIM 608807.

Allele frequency attached by ClinVar (database versions not stated): TOPMed below 0.00001; gnomAD 0.00001; gnomAD exomes 0.00001; ExAC 0.00003; 1000 Genomes Project 30x 0.00016; 1000 Genomes Project 0.00020.
gnomAD v4.1: 13 of 1,612,064 alleles (0.00081%); highest among the groups gnomAD compares: African/African-American, 0.0013%; no homozygotes.

Submissions (3):

Labcorp Genetics (formerly Invitae), Labcorp
Classification: Likely benign for Dilated cardiomyopathy 1G; Autosomal recessive limb-girdle muscular dystrophy type 2J. Last evaluated: 2025-11-12. Review status: criteria provided, single submitter. Criteria: Invitae Variant Classification Sherloc (09022015). Collection method: clinical testing. Allele origin: germline.

Ambry Genetics
Classification: Likely benign for Cardiovascular phenotype. Last evaluated: 2024-11-17. Review status: criteria provided, single submitter. Criteria: Ambry Variant Classification Scheme 2023. Collection method: clinical testing. Allele origin: germline.

PreventionGenetics, part of Exact Sciences
Classification: Likely benign for TTN-related condition. Last evaluated: 2022-02-15. Review status: no assertion criteria provided. Collection method: clinical testing. Allele origin: germline. Not counted in ClinVar's aggregate classification.
Comment: This variant is classified as likely benign based on ACMG/AMP sequence variant interpretation guidelines (Richards et al. 2015 PMID: 25741868, with internal and published modifications).

NM_001267550.2(TTN):c.91941C>T (p.Asp30647=)

Genes: TTN-AS1 (TTN antisense RNA 1; plus strand), TTN (titin; minus strand). Cytogenetic location: 2q31.2.
Variant type: single nucleotide variant.
Coding change: c.91941C>T on transcript NM_001267550.2 (MANE Select); coding-DNA position 91941, C replaced by T.
Protein change: p.Asp30647=; no amino-acid change (aspartic acid 30647 retained).
Molecular consequence: synonymous variant.
Genome position (GRCh38, 1-based): chr2:178,549,781, G>A on the plus strand (C>T on the coding strand, the complement: TTN is on the minus strand). VCF-style: chr2-178549781-G-A. GRCh37 (hg19) VCF-style: chr2-179414508-G-A.
Other names: c.87018C>T, p.Asp29006= (NM_001256850.1); c.64746C>T, p.Asp21582= (NM_003319.4); c.84237C>T, p.Asp28079= (NM_133378.4); c.65121C>T, p.Asp21707= (NM_133432.3); c.65322C>T, p.Asp21774= (NM_133437.4).
Identifiers: ClinVar variation 3029044 (VCV003029044.4), dbSNP rs577669871, ClinGen allele CA1987529.